The following is an entry in ClinVar:

NM_001351132.2(PEX5):c.551G>C (p.Trp184Ser)

Gene: PEX5 (peroxisomal biogenesis factor 5; plus strand). Cytogenetic location: 12p13.31.
Variant type: single nucleotide variant.
Coding change: c.551G>C on transcript NM_001351132.2 (MANE Select); coding-DNA position 551, G replaced by C.
Protein change: p.Trp184Ser; replaces tryptophan 184 with serine.
Molecular consequence: missense variant.
Genome position (GRCh38, 1-based): chr12:7,199,113, G>C. VCF-style: chr12-7199113-G-C. GRCh37 (hg19) VCF-style: chr12-7351709-G-C.
Other names: c.551G>C, p.Trp184Ser (NM_000319.5, NM_001131024.2, NM_001131025.2 and 19 more transcripts); c.596G>C, p.Trp199Ser (NM_001131023.2, NM_001351135.3, NM_001351138.2); short protein forms W184S, W199S.
Identifiers: ClinVar variation 2055561 (VCV002055561.2), dbSNP rs1943254019, ClinGen allele CA383718268.

ClinVar aggregate classification (germline): Uncertain significance (1 of 4 stars; one submission).

Conditions:
Peroxisome biogenesis disorder 2B (PBD2B). Identifiers: Orphanet 44, MedGen C3550234, MONDO:0008736, OMIM 202370.

Submission:

Labcorp Genetics (formerly Invitae), Labcorp
Classification: Uncertain significance for Peroxisome biogenesis disorder 2B. Last evaluated: 2022-06-04. Review status: criteria provided, single submitter. Criteria: Invitae Variant Classification Sherloc (09022015). Collection method: clinical testing. Allele origin: germline.
Comment: In summary, the available evidence is currently insufficient to determine the role of this variant in disease. Therefore, it has been classified as a Variant of Uncertain Significance. Variants that disrupt the consensus splice site are a relatively common cause of aberrant splicing (PMID: 17576681, 9536098). Algorithms developed to predict the effect of sequence changes on RNA splicing suggest that this variant may disrupt the consensus splice site. Algorithms developed to predict the effect of missense changes on protein structure and function are either unavailable or do not agree on the potential impact of this missense change (SIFT: "Deleterious"; PolyPhen-2: "Probably Damaging"; Align-GVGD: "Class C0"). This variant has not been reported in the literature in individuals affected with PEX5-related conditions. This variant is not present in population databases (gnomAD no frequency). This sequence change replaces tryptophan, which is neutral and slightly polar, with serine, which is neutral and polar, at codon 184 of the PEX5 protein (p.Trp184Ser). This variant also falls at the last nucleotide of exon 6, which is part of the consensus splice site for this exon.

Literature cited by the submitters: PubMed 17576681; PubMed 9536098.